The following is an entry in ClinVar:

NM_006080.3(SEMA3A):c.925+1G>A

Gene: SEMA3A (semaphorin 3A; minus strand). Cytogenetic location: 7q21.11.
Variant type: single nucleotide variant.
Coding change: c.925+1G>A on transcript NM_006080.3 (MANE Select); the canonical splice donor site of the intron after coding-DNA position 925, G replaced by A.
Molecular consequence: splice donor variant.
Genome position (GRCh38, 1-based): chr7:84,011,182, C>T on the plus strand (G>A on the coding strand, the complement: SEMA3A is on the minus strand). VCF-style: chr7-84011182-C-T. GRCh37 (hg19) VCF-style: chr7-83640498-C-T.
Identifiers: ClinVar variation 3345871 (VCV003345871.1).

ClinVar aggregate classification (germline): Uncertain significance (0 of 4 stars; one submission).

Conditions:
SEMA3A-related disorder. Also called: SEMA3A-related condition.

gnomAD v4.1: 2 of 1,610,472 alleles (0.00012%); highest among the groups gnomAD compares: Non-Finnish European, 0.00017%; no homozygotes.

Submission:

PreventionGenetics, part of Exact Sciences
Classification: Uncertain significance for SEMA3A-related condition. Last evaluated: 2024-04-15. Review status: no assertion criteria provided. Collection method: clinical testing. Allele origin: germline.
Comment: The SEMA3A c.925+1G>A variant is predicted to disrupt the GT donor site and interfere with normal splicing. To our knowledge, this variant has not been reported in the literature. Protein truncating variants have been reported in the SEMA3A gene with proposed autosomal dominant and recessive inheritance; however, the evidence is still too limited to conclusively establish a a gene-disease association or mode of inheritance. This variant is reported in 0.00088% of alleles in individuals of European (Non-Finnish) descent in gnomAD. Although we suspect that this variant may be pathogenic, at this time, the clinical significance of this variant is uncertain due to the absence of conclusive functional and genetic evidence.